The following is an entry in ClinVar:

NM_001378615.1(CC2D2A):c.3905G>A (p.Arg1302His)

Genes: CC2D2A (coiled-coil and C2 domain containing 2A; plus strand), FBXL5 (F-box and leucine rich repeat protein 5; minus strand). Cytogenetic location: 4p15.32.
Variant type: single nucleotide variant.
Coding change: c.3905G>A on transcript NM_001378615.1 (MANE Select); coding-DNA position 3905, G replaced by A.
Protein change: p.Arg1302His; replaces arginine 1302 with histidine.
Molecular consequence: missense variant.
Genome position (GRCh38, 1-based): chr4:15,580,101, G>A. VCF-style: chr4-15580101-G-A. GRCh37 (hg19) VCF-style: chr4-15581724-G-A.
Other names: c.3905G>A, p.Arg1302His (NM_001080522.2); c.3758G>A, p.Arg1253His (NM_001378617.1); short protein forms R1253H, R1302H.
Identifiers: ClinVar variation 1054592 (VCV001054592.7), dbSNP rs988477564, ClinGen allele CA356426339.

ClinVar aggregate classification (germline): Uncertain significance. Review status: criteria provided, multiple submitters, no conflicts (2 of 4 stars). 2 submissions from 2 submitters: Uncertain significance (2). Last evaluated 2024-04-24.

Conditions:
COACH syndrome 2. Identifiers: MedGen C5436837, MONDO:0030859, OMIM 619111.
Meckel syndrome, type 6. Identifiers: Orphanet 564, MedGen C2676790, MONDO:0012848, OMIM 612284.
Joubert syndrome 9 (JBTS9). Identifiers: Orphanet 2318, MedGen C2676788, MONDO:0012849, OMIM 612285.
Retinitis pigmentosa 93. Identifiers: MedGen C5676970, MONDO:0030797, OMIM 619845.
Joubert syndrome. Also called: JOUBERT-BOLTSHAUSER SYNDROME; Familial aplasia of the vermis. Identifiers: Orphanet 475, MedGen C5979921, MONDO:0018772.
Meckel-Gruber syndrome. Also called: Dysencephalia splachnocystica; DYSENCEPHALIA SPLANCHNOCYSTICA; GRUBER SYNDROME. Identifiers: Orphanet 564, MedGen C0265215, MONDO:0018921.

gnomAD v4.1: 7 of 1,613,876 alleles (0.00043%); highest among the groups gnomAD compares: Non-Finnish European, 0.00051%; no homozygotes.

Submissions (2):

Fulgent Genetics
Classification: Uncertain significance for Meckel syndrome, type 6; Joubert syndrome 9; COACH syndrome 2; Retinitis pigmentosa 93. Last evaluated: 2024-04-24. Review status: criteria provided, single submitter. Criteria: ACMG Guidelines, 2015. Collection method: clinical testing. Allele origin: germline.

Labcorp Genetics (formerly Invitae), Labcorp
Classification: Uncertain significance for Joubert syndrome; Meckel-Gruber syndrome. Last evaluated: 2022-01-12. Review status: criteria provided, single submitter. Criteria: Invitae Variant Classification Sherloc (09022015). Collection method: clinical testing. Allele origin: germline.
Comment: This sequence change replaces arginine, which is basic and polar, with histidine, which is basic and polar, at codon 1302 of the CC2D2A protein (p.Arg1302His). This variant is not present in population databases (gnomAD no frequency). This variant has not been reported in the literature in individuals affected with CC2D2A-related conditions. ClinVar contains an entry for this variant (Variation ID: 1054592). Advanced modeling of protein sequence and biophysical properties (such as structural, functional, and spatial information, amino acid conservation, physicochemical variation, residue mobility, and thermodynamic stability) performed at Invitae indicates that this missense variant is expected to disrupt CC2D2A protein function. In summary, the available evidence is currently insufficient to determine the role of this variant in disease. Therefore, it has been classified as a Variant of Uncertain Significance.